The following is an entry in ClinVar:

NM_000179.3(MSH6):c.3678_3706dup (p.Ala1236delinsGluTer)

Gene: MSH6 (mutS homolog 6; plus strand). Cytogenetic location: 2p16.3.
Variant type: Duplication.
Coding change: c.3678_3706dup on transcript NM_000179.3 (MANE Select); coding-DNA positions 3678 to 3706, 29 bases duplicated (AATAGCAAATGCAGTTGTTAAAGAACTTG).
Protein change: p.Ala1236delinsGluTer.
Molecular consequence: nonsense.
Genome position (GRCh38, 1-based): chr2:47,806,235-47,806,263, AATAGCAAATGCAGTTGTTAAAGAACTTG duplicated. VCF-style (leftmost placement, unchanged base first): chr2-47806234-C-CAATAGCAAATGCAGTTGTTAAAGAACTTG. GRCh37 (hg19) VCF-style: chr2-48033373-C-CAATAGCAAATGCAGTTGTTAAAGAACTTG.
Other names: c.3288_3316dup, p.Ala1106delinsGluTer (NM_001281492.2); c.2772_2800dup, p.Ala934delinsGluTer (NM_001281493.2, NM_001281494.2).
Identifiers: ClinVar variation 89444 (VCV000089444.7), dbSNP rs1553332996, ClinGen allele CA330551.

ClinVar aggregate classification (germline): Pathogenic. Review status: reviewed by expert panel (3 of 4 stars). 2 submissions from 2 submitters: Pathogenic (1). 1 of the submissions does not count toward it. Last evaluated 2013-09-05.

Conditions:
Hereditary nonpolyposis colorectal neoplasms. Identifiers: MedGen C0009405, MeSH D003123.
Lynch syndrome. Identifiers: Orphanet 144, MedGen C4552100, MONDO:0005835. Disease mechanism: loss of function.

Submissions (2):

International Society for Gastrointestinal Hereditary Tumours (InSiGHT)
Classification: Pathogenic for Lynch Syndrome. Last evaluated: 2013-09-05. Review status: reviewed by expert panel. Criteria: Guidelines v1.9. Collection method: research. Allele origin: germline.
Comment: Coding sequence variation resulting in a stop codon

Classified with v1.9 guidelines

Labcorp Genetics (formerly Invitae), Labcorp
Classification: Pathogenic for Hereditary nonpolyposis colorectal neoplasms. Last evaluated: 2022-06-13. Review status: criteria provided, single submitter. Criteria: Invitae Variant Classification Sherloc (09022015). Collection method: clinical testing. Allele origin: germline. Not counted in ClinVar's aggregate classification.
Comment: For these reasons, this variant has been classified as Pathogenic. ClinVar contains an entry for this variant (Variation ID: 89444). This premature translational stop signal has been observed in individual(s) with clinical features of Lynch syndrome (PMID: 17117178). This variant is not present in population databases (gnomAD no frequency). This sequence change creates a premature translational stop signal (p.Ala1236Glufs*2) in the MSH6 gene. It is expected to result in an absent or disrupted protein product. Loss-of-function variants in MSH6 are known to be pathogenic (PMID: 18269114, 24362816).

Literature cited by the submitters: PubMed 17117178 (cited by Labcorp Genetics (formerly Invitae), Labcorp); PubMed 18269114 (cited by Labcorp Genetics (formerly Invitae), Labcorp); PubMed 24362816 (cited by Labcorp Genetics (formerly Invitae), Labcorp).